The following is an entry in ClinVar:

NM_001267550.2(TTN):c.69131del (p.Pro23044fs)

Genes: TTN-AS1 (TTN antisense RNA 1; plus strand), TTN (titin; minus strand). Cytogenetic location: 2q31.2.
Variant type: Deletion.
Coding change: c.69131del on transcript NM_001267550.2 (MANE Select); coding-DNA position 69131, one base deleted (C; older notation c.69131delC).
Protein change: p.Pro23044fs; shifts the reading frame from proline 23044.
Molecular consequence: frameshift variant.
Genome position (GRCh38, 1-based): chr2:178,577,204, G deleted on the plus strand (C on the coding strand, the reverse complement: TTN is on the minus strand); the first of 5 consecutive G bases (chr2:178,577,204-178,577,208); deleting any one gives the same sequence. VCF-style (leftmost placement, unchanged base first): chr2-178577203-TG-T. GRCh37 (hg19) VCF-style: chr2-179441930-TG-T.
Other names: c.41936delC (NM_003319.4); c.64208del, p.Pro21403fs (NM_001256850.1); c.41936del, p.Pro13979fs (NM_003319.4); c.61427del, p.Pro20476fs (NM_133378.4); c.42311del, p.Pro14104fs (NM_133432.3); c.42512del, p.Pro14171fs (NM_133437.4); short protein forms P13979fs, P14104fs, P14171fs, P20476fs, P21403fs, P23044fs.
Identifiers: ClinVar variation 1066510 (VCV001066510.14), dbSNP rs2154173603, ClinGen allele CA2499215374.

ClinVar aggregate classification (germline): Likely pathogenic. Review status: criteria provided, multiple submitters, no conflicts (2 of 4 stars). 2 submissions from 2 submitters: Likely pathogenic (2). Last evaluated 2025-10-01.

Conditions:
Cardiovascular phenotype. Identifiers: MedGen CN230736.
Dilated cardiomyopathy 1G (CMD1G). Identifiers: Orphanet 154, MedGen C1858763, MONDO:0011400, OMIM 604145.
Autosomal recessive limb-girdle muscular dystrophy type 2J (LGMDR10). Also called: Limb-girdle muscular dystrophy, type 2J; MUSCULAR DYSTROPHY, LIMB-GIRDLE, AUTOSOMAL RECESSIVE 10. Identifiers: Orphanet 140922, MedGen C1837342, MONDO:0012127, OMIM 608807.

Submissions (2):

Labcorp Genetics (formerly Invitae), Labcorp
Classification: Likely pathogenic for Dilated cardiomyopathy 1G; Autosomal recessive limb-girdle muscular dystrophy type 2J. Last evaluated: 2025-10-01. Review status: criteria provided, single submitter. Criteria: Invitae Variant Classification Sherloc (09022015). Collection method: clinical testing. Allele origin: germline.
Comment: This sequence change creates a premature translational stop signal (p.Pro23044Glnfs*74) in the TTN gene. While this is not anticipated to result in nonsense mediated decay, it is expected to create a truncated TTN protein. This variant is not present in population databases (gnomAD no frequency). This premature translational stop signal has been observed in individual(s) with TTN-related conditions (internal data). ClinVar contains an entry for this variant (Variation ID: 1066510). This variant is located in the A band of TTN (PMID: 25589632). Truncating variants in this region are significantly overrepresented in patients affected with dilated cardiomyopathy (PMID: 25589632). Truncating variants in this region have also been reported in individuals affected with autosomal recessive centronuclear myopathy (PMID: 23975875). In summary, the currently available evidence indicates that the variant is pathogenic, but additional data are needed to prove that conclusively. Therefore, this variant has been classified as Likely Pathogenic.

Ambry Genetics
Classification: Likely pathogenic for Cardiovascular phenotype. Last evaluated: 2023-08-17. Review status: criteria provided, single submitter. Criteria: Ambry Variant Classification Scheme 2023. Collection method: clinical testing. Allele origin: germline.
Comment: The c.41936delC variant, located in coding exon 151 of the TTN gene, results from a deletion of one nucleotide at nucleotide position 41936, causing a translational frameshift with a predicted alternate stop codon (p.P13979Qfs*74). This exon is located in the A-band region of the N2-B isoform of the titin protein and is constitutively expressed in TTN transcripts (percent spliced in or PSI 100%). This variant is considered to be rare based on population cohorts in the Genome Aggregation Database (gnomAD). This alteration is expected to result in loss of function by premature protein truncation or nonsense-mediated mRNA decay. While truncating variants in TTN are present in 1-3% of the general population, truncating variants in the A-band are the most common cause of dilated cardiomyopathy (DCM) (Herman DS et al. N. Engl. J. Med., 2012 Feb;366:619-28; Roberts AM et al. Sci Transl Med, 2015 Jan;7:270ra6). TTN truncating variants encoded in constitutive exons (PSI >90%) have been found to be significantly associated with DCM regardless of their position in titin (Schafer S et al. Nat. Genet., 2017 01;49:46-53). Based on the majority of available evidence to date, this variant is likely to be pathogenic.

Literature cited by the submitters: PubMed 25589632 (cited by Labcorp Genetics (formerly Invitae), Labcorp); PubMed 23975875 (cited by Labcorp Genetics (formerly Invitae), Labcorp).